The following is an entry in ClinVar:

ClinVar aggregate classification (germline): Conflicting classifications of pathogenicity. Review status: criteria provided, conflicting classifications (1 of 4 stars). 3 submissions from 3 submitters: Uncertain significance (2); Likely benign (1). Last evaluated 2025-12-10.

Conditions:
Hereditary cancer-predisposing syndrome. Also called: Tumor predisposition; Hereditary neoplastic syndrome; Neoplastic Syndromes, Hereditary; Hereditary Cancer Syndrome. Identifiers: Orphanet 140162, MedGen C0027672, MeSH D009386, MONDO:0015356.
Renal cell carcinoma. Identifiers: Orphanet 217071, MedGen C0007134, MeSH D002292, MONDO:0005086, HP:0005584.
Autosomal recessive nonsyndromic hearing loss 97. Also called: Deafness, autosomal recessive 97. Identifiers: Orphanet 90636, MedGen C4084709, MONDO:0014739, OMIM 616705.

Submissions (3):

Labcorp Genetics (formerly Invitae), Labcorp
Classification: Uncertain significance for Renal cell carcinoma. Last evaluated: 2025-12-10. Review status: criteria provided, single submitter. Criteria: Invitae Variant Classification Sherloc (09022015). Collection method: clinical testing. Allele origin: germline.
Comment: This sequence change replaces aspartic acid, which is acidic and polar, with glutamic acid, which is acidic and polar, at codon 449 of the MET protein (p.Asp449Glu). This variant is not present in population databases (gnomAD no frequency). This variant has not been reported in the literature in individuals affected with MET-related conditions. ClinVar contains an entry for this variant (Variation ID: 1429037). Invitae Evidence Modeling of protein sequence and biophysical properties (such as structural, functional, and spatial information, amino acid conservation, physicochemical variation, residue mobility, and thermodynamic stability) indicates that this missense variant is not expected to disrupt MET protein function with a negative predictive value of 80%. In summary, the available evidence is currently insufficient to determine the role of this variant in disease. Therefore, it has been classified as a Variant of Uncertain Significance.

Ambry Genetics
Classification: Likely benign for Hereditary cancer-predisposing syndrome. Last evaluated: 2025-09-04. Review status: criteria provided, single submitter. Criteria: Ambry Variant Classification Scheme 2023. Collection method: clinical testing. Allele origin: germline.

Baylor Genetics
Classification: Uncertain significance for Autosomal recessive nonsyndromic hearing loss 97. Last evaluated: 2024-03-08. Review status: criteria provided, single submitter. Criteria: ACMG Guidelines, 2015. Collection method: clinical testing. Allele origin: unknown.

NM_000245.4(MET):c.1347C>A (p.Asp449Glu)

Gene: MET (MET proto-oncogene, receptor tyrosine kinase; plus strand). Cytogenetic location: 7q31.2.
Variant type: single nucleotide variant.
Coding change: c.1347C>A on transcript NM_000245.4 (MANE Select); coding-DNA position 1347, C replaced by A.
Protein change: p.Asp449Glu; replaces aspartic acid 449 with glutamic acid.
Molecular consequence: missense variant.
Genome position (GRCh38, 1-based): chr7:116,731,814, C>A. VCF-style: chr7-116731814-C-A. GRCh37 (hg19) VCF-style: chr7-116371868-C-A.
Other names: c.1347C>A, p.Asp449Glu (NM_001127500.3, NM_001324401.3); c.57C>A, p.Asp19Glu (NM_001324402.2); c.1347C>A (NM_001127500.1); short protein forms D19E, D449E.
Identifiers: ClinVar variation 1429037 (VCV001429037.8), dbSNP rs2116783251, ClinGen allele CA368972986.